The following is an entry in ClinVar:

NM_024408.4(NOTCH2):c.5423C>T (p.Thr1808Ile)

Gene: NOTCH2 (notch receptor 2; minus strand). Cytogenetic location: 1p12.
Variant type: single nucleotide variant.
Coding change: c.5423C>T on transcript NM_024408.4 (MANE Select); coding-DNA position 5423, C replaced by T.
Protein change: p.Thr1808Ile; replaces threonine 1808 with isoleucine.
Molecular consequence: missense variant.
Genome position (GRCh38, 1-based): chr1:119,920,285, G>A on the plus strand (C>T on the coding strand, the complement: NOTCH2 is on the minus strand). VCF-style: chr1-119920285-G-A. GRCh37 (hg19) VCF-style: chr1-120462908-G-A.
Other names: c.5423C>T (NM_024408.3); short protein forms T1808I.
Identifiers: ClinVar variation 1359168 (VCV001359168.19), dbSNP rs144085962, ClinGen allele CA1039641.

ClinVar aggregate classification (germline): Conflicting classifications of pathogenicity. Review status: criteria provided, conflicting classifications (1 of 4 stars). 7 submissions from 7 submitters: Uncertain significance (3); Benign (1); Likely benign (2). 1 of the submissions does not count toward it. Last evaluated 2025-12-11.

Conditions:
NOTCH2-related disorder. Also called: NOTCH2-related condition.
Hajdu-Cheney syndrome (HJCYS). Also called: ACROOSTEOLYSIS WITH OSTEOPOROSIS AND CHANGES IN SKULL AND MANDIBLE; Acroosteolysis dominant type; SERPENTINE FIBULA-POLYCYSTIC KIDNEY SYNDROME. Identifiers: Orphanet 955, MedGen C0917715, MONDO:0007057, OMIM 102500.
Alagille syndrome due to a NOTCH2 point mutation. Also called: Alagille syndrome 2. Identifiers: Orphanet 261629, Orphanet 52, MedGen C1857761, MONDO:0012439, OMIM 610205.

Allele frequency attached by ClinVar (database versions not stated): gnomAD 0.00004; ExAC 0.00005; ESP Exome Variant Server 0.00015; 1000 Genomes Project 30x 0.00016; 1000 Genomes Project 0.00020.
gnomAD v4.1: 77 of 1,614,196 alleles (0.0048%); highest among the groups gnomAD compares: Admixed American, 0.0067%; no homozygotes.

Submissions (7):

Labcorp Genetics (formerly Invitae), Labcorp
Classification: Uncertain significance for Hajdu-Cheney syndrome. Last evaluated: 2025-12-11. Review status: criteria provided, single submitter. Criteria: Invitae Variant Classification Sherloc (09022015). Collection method: clinical testing. Allele origin: germline.
Comment: This sequence change replaces threonine, which is neutral and polar, with isoleucine, which is neutral and non-polar, at codon 1808 of the NOTCH2 protein (p.Thr1808Ile). This variant is present in population databases (rs144085962, gnomAD 0.01%). This variant has not been reported in the literature in individuals affected with NOTCH2-related conditions. ClinVar contains an entry for this variant (Variation ID: 1359168). Invitae Evidence Modeling of protein sequence and biophysical properties (such as structural, functional, and spatial information, amino acid conservation, physicochemical variation, residue mobility, and thermodynamic stability) has been performed for this missense variant. However, the output from this modeling did not meet the statistical confidence thresholds required to predict the impact of this variant on NOTCH2 protein function. In summary, the available evidence is currently insufficient to determine the role of this variant in disease. Therefore, it has been classified as a Variant of Uncertain Significance.

CeGaT Center for Human Genetics Tuebingen
Classification: Likely benign. Last evaluated: 2025-10-01. Review status: criteria provided, single submitter. Criteria: CeGaT Center For Human Genetics Tuebingen Variant Classification Criteria Version 2. Collection method: clinical testing. Allele origin: germline. Affected: yes. Observed: 1 variant allele.
Comment: NOTCH2: PP3, BS2

Laboratory of Genetics, Children's Clinical University Hospital Latvia
Classification: Benign. Last evaluated: 2025-02-16. Review status: criteria provided, single submitter. Criteria: ACMG Guidelines, 2015. Collection method: clinical testing. Allele origin: germline. Affected: yes.

Women's Health and Genetics/Laboratory Corporation of America, LabCorp
Classification: Uncertain significance. Last evaluated: 2024-03-26. Review status: criteria provided, single submitter. Criteria: LabCorp Variant Classification Summary - May 2015. Collection method: clinical testing. Allele origin: germline.
Comment: Variant summary: NOTCH2 c.5423C>T (p.Thr1808Ile) results in a non-conservative amino acid change in the encoded protein sequence. Five of five in-silico tools predict a damaging effect of the variant on protein function. The variant allele was found at a frequency of 8e-05 in 251456 control chromosomes (gnomAD). To our knowledge, no occurrence of c.5423C>T in individuals affected with Hajdu-Cheney Syndrome and no experimental evidence demonstrating its impact on protein function have been reported. ClinVar contains an entry for this variant (Variation ID: 1359168). Based on the evidence outlined above, the variant was classified as uncertain significance.

Blueprint Genetics
Classification: Likely benign. Last evaluated: 2023-11-14. Review status: criteria provided, single submitter. Criteria: ACMG Guidelines, 2015. Collection method: clinical testing. Allele origin: germline.

Fulgent Genetics
Classification: Uncertain significance for Hajdu-Cheney syndrome; Alagille syndrome due to a NOTCH2 point mutation. Last evaluated: 2021-07-21. Review status: criteria provided, single submitter. Criteria: ACMG Guidelines, 2015. Collection method: clinical testing. Allele origin: unknown.

PreventionGenetics, part of Exact Sciences
Classification: Uncertain significance for NOTCH2-related condition. Last evaluated: 2024-08-20. Review status: no assertion criteria provided. Collection method: clinical testing. Allele origin: germline. Not counted in ClinVar's aggregate classification.
Comment: The NOTCH2 c.5423C>T variant is predicted to result in the amino acid substitution p.Thr1808Ile. To our knowledge, this variant has not been reported in the literature. This variant is reported in 0.014% of alleles in individuals of European (Non-Finnish) descent in gnomAD. Although we suspect that this variant may be benign, at this time, the clinical significance of this variant is uncertain due to the absence of conclusive functional and genetic evidence.